The following is an entry in ClinVar:

NM_002225.5(IVD):c.367G>A (p.Gly123Arg)

Gene: IVD (isovaleryl-CoA dehydrogenase; plus strand). Cytogenetic location: 15q15.1.
Variant type: single nucleotide variant.
Coding change: c.367G>A on transcript NM_002225.5 (MANE Select); coding-DNA position 367, G replaced by A.
Protein change: p.Gly123Arg; replaces glycine 123 with arginine.
Molecular consequence: missense variant. On other transcripts: non-coding transcript variant (1).
Genome position (GRCh38, 1-based): chr15:40,410,708, G>A. VCF-style: chr15-40410708-G-A. GRCh37 (hg19) VCF-style: chr15-40702907-G-A.
Other names: c.277G>A, p.Gly93Arg (NM_001159508.3); c.319G>A, p.Gly107Arg (NM_001354597.3); c.367G>A, p.Gly123Arg (NM_001354598.3, NM_001354601.3); c.454G>A, p.Gly152Arg (NM_001354599.3, NM_001354600.3); short protein forms G107R, G123R, G152R, G93R.
Identifiers: ClinVar variation 3375248 (VCV003375248.1).

ClinVar aggregate classification (germline): Uncertain significance (1 of 4 stars; one submission).

Submission:

Women's Health and Genetics/Laboratory Corporation of America, LabCorp
Classification: Uncertain significance. Last evaluated: 2024-09-24. Review status: criteria provided, single submitter. Criteria: LabCorp Variant Classification Summary - May 2015. Collection method: clinical testing. Allele origin: germline.
Comment: Variant summary: IVD c.367G>A (p.Gly123Arg) results in a non-conservative amino acid change in the encoded protein sequence. Four of five in-silico tools predict a damaging effect of the variant on protein function. The variant was absent in 251472 control chromosomes (gnomAD). The available data on variant occurrences in the general population are insufficient to allow any conclusion about variant significance. To our knowledge, no occurrence of c.367G>A in individuals affected with Isovaleryl-CoA Dehydrogenase Deficiency and no experimental evidence demonstrating its impact on protein function have been reported. The following publication has been ascertained in the context of this evaluation (PMID: 31589614). No submitters have cited clinical-significance assessments for this variant to ClinVar. Based on the evidence outlined above, the variant was classified as uncertain significance.

Literature cited by the submitters: PubMed 31589614.